The following is an entry in ClinVar:

ClinVar aggregate classification (germline): Pathogenic (1 of 4 stars; one submission).

Submission:

Labcorp Genetics (formerly Invitae), Labcorp
Classification: Pathogenic. Last evaluated: 2022-07-06. Review status: criteria provided, single submitter. Criteria: Invitae Variant Classification Sherloc (09022015). Collection method: clinical testing. Allele origin: germline.
Comment: For these reasons, this variant has been classified as Pathogenic. This variant has not been reported in the literature in individuals affected with ZNF341-related conditions. This variant is a gross deletion of the genomic region encompassing exon(s) 12 of the ZNF341 gene. This deletion is out-of-frame, and is expected to create a premature termination codon and result in an absent or disrupted protein product. Loss-of-function variants in ZNF341 are known to be pathogenic (PMID: 29907690, 29907691).

Literature cited by the submitters: PubMed 29907690; PubMed 29907691.

NC_000020.10:g.(?_32371518)_(32371690_?)del

Gene: ZNF341 (zinc finger protein 341; plus strand). Cytogenetic location: 20q11.22.
Variant type: Deletion.
Identifiers: ClinVar variation 2427074 (VCV002427074.4).